The following is an entry in ClinVar:

ClinVar aggregate classification (germline): Likely benign (1 of 4 stars; one submission).

gnomAD v4.1: 4 of 1,614,230 alleles (0.00025%); highest among the groups gnomAD compares: Non-Finnish European, 0.00034%; no homozygotes.

Submission:

CeGaT Center for Human Genetics Tuebingen
Classification: Likely benign. Last evaluated: 2022-10-01. Review status: criteria provided, single submitter. Criteria: CeGaT Center For Human Genetics Tuebingen Variant Classification Criteria Version 2. Collection method: clinical testing. Allele origin: germline. Affected: yes. Observed: 1 variant allele.
Comment: CTCF: BP4, BP7

NM_006565.4(CTCF):c.714A>G (p.Ser238=)

Gene: CTCF (CCCTC-binding factor; plus strand). Cytogenetic location: 16q22.1.
Variant type: single nucleotide variant.
Coding change: c.714A>G on transcript NM_006565.4 (MANE Select); coding-DNA position 714, A replaced by G.
Protein change: p.Ser238=; no amino-acid change (serine 238 retained).
Molecular consequence: synonymous variant. On other transcripts: intron variant (1).
Genome position (GRCh38, 1-based): chr16:67,611,546, A>G. VCF-style: chr16-67611546-A-G. GRCh37 (hg19) VCF-style: chr16-67645449-A-G.
Other names: c.714A>G, p.Ser238= (NM_001363916.2); c.-32-5199A>G (NM_001191022.2).
Identifiers: ClinVar variation 2646628 (VCV002646628.24), dbSNP rs1414981641, ClinGen allele CA496085695.